The following is an entry in ClinVar:

ClinVar aggregate classification (germline): Uncertain significance. Review status: criteria provided, multiple submitters, no conflicts (2 of 4 stars). 3 submissions from 3 submitters: Uncertain significance (3). Last evaluated 2025-07-17.

Conditions:
Chédiak-Higashi syndrome (CHS). Also called: Chediak-Higashi Syndrome. Identifiers: Orphanet 167, MedGen C0007965, MONDO:0008963, OMIM 214500.
Inborn genetic diseases. Identifiers: MedGen C0950123, MeSH D030342.

Allele frequency attached by ClinVar (database versions not stated): gnomAD exomes below 0.00001; ExAC 0.00001; gnomAD 0.00001; TOPMed 0.00001.
gnomAD v4.1: 10 of 1,613,746 alleles (0.00062%); highest among the groups gnomAD compares: African/African-American, 0.0013%; no homozygotes.

Submissions (3):

Mayo Clinic Laboratories, Mayo Clinic
Classification: Uncertain significance. Last evaluated: 2025-07-17. Review status: criteria provided, single submitter. Criteria: ACMG Guidelines, 2015. Collection method: clinical testing. Allele origin: germline. Observed: 1 variant allele.
Comment: BP4_moderate, PM2_supporting

Ambry Genetics
Classification: Uncertain significance for Inborn genetic diseases. Last evaluated: 2024-12-05. Review status: criteria provided, single submitter. Criteria: Ambry Variant Classification Scheme 2023. Collection method: clinical testing. Allele origin: germline.

Labcorp Genetics (formerly Invitae), Labcorp
Classification: Uncertain significance for Chédiak-Higashi syndrome. Last evaluated: 2022-05-05. Review status: criteria provided, single submitter. Criteria: Invitae Variant Classification Sherloc (09022015). Collection method: clinical testing. Allele origin: germline.
Comment: This sequence change replaces asparagine, which is neutral and polar, with histidine, which is basic and polar, at codon 276 of the LYST protein (p.Asn276His). This variant is present in population databases (rs747608805, gnomAD 0.05%). This variant has not been reported in the literature in individuals affected with LYST-related conditions. Algorithms developed to predict the effect of missense changes on protein structure and function are either unavailable or do not agree on the potential impact of this missense change (SIFT: "Tolerated"; PolyPhen-2: "Possibly Damaging"; Align-GVGD: "Class C0"). In summary, the available evidence is currently insufficient to determine the role of this variant in disease. Therefore, it has been classified as a Variant of Uncertain Significance.

NM_000081.4(LYST):c.826A>C (p.Asn276His)

Gene: LYST (lysosomal trafficking regulator; minus strand). Cytogenetic location: 1q42.3.
Variant type: single nucleotide variant.
Coding change: c.826A>C on transcript NM_000081.4 (MANE Select); coding-DNA position 826, A replaced by C.
Protein change: p.Asn276His; replaces asparagine 276 with histidine.
Molecular consequence: missense variant.
Genome position (GRCh38, 1-based): chr1:235,809,992, T>G on the plus strand (A>C on the coding strand, the complement: LYST is on the minus strand). VCF-style: chr1-235809992-T-G. GRCh37 (hg19) VCF-style: chr1-235973292-T-G.
Other names: p.Asn276His; c.826A>C, p.Asn276His (NM_001301365.1); c.826A>C (NM_000081.2); short protein forms N276H.
Identifiers: ClinVar variation 2065384 (VCV002065384.3), dbSNP rs747608805, ClinGen allele CA1467555.
Genomic context (GRCh38, chr1:235,809,992, plus strand): 5'-AGCCTGCTAGGAATTCAGTTAGTGTGGGCACTACACTGGCTGCTAAAGGAGAATTATGAT[T>G]CAAGGTAACGTCAAACTTACAAACTTTTTCTAATAAAGATAACAAAACATGACATAAGTC-3'
Protein context (NP_000072.2, residues 266-286): EKVCKFDVTL[Asn276His]HNSPLAASVV